The following is an entry in ClinVar:

ClinVar aggregate classification (germline): Pathogenic. Review status: criteria provided, multiple submitters, no conflicts (2 of 4 stars). 6 submissions from 6 submitters: Pathogenic (6). Last evaluated 2024-09-23.

Conditions:
Lynch syndrome. Identifiers: Orphanet 144, MedGen C4552100, MONDO:0005835. Disease mechanism: loss of function.
Lynch syndrome 5 (LYNCH5). Also called: Colorectal cancer, hereditary nonpolyposis, type 5; Hereditary non-polyposis colorectal cancer, type 5. Identifiers: Orphanet 144, MedGen C1833477, MONDO:0013710, OMIM 614350. Disease mechanism: loss of function.
Hereditary nonpolyposis colorectal neoplasms. Identifiers: MedGen C0009405, MeSH D003123.
Hereditary cancer-predisposing syndrome. Also called: Tumor predisposition; Hereditary neoplastic syndrome; Neoplastic Syndromes, Hereditary; Hereditary Cancer Syndrome. Identifiers: Orphanet 140162, MedGen C0027672, MeSH D009386, MONDO:0015356.
Endometrial carcinoma. Also called: Endometrial carcinoma, somatic. Identifiers: MedGen C0476089, MONDO:0002447, OMIM 608089, HP:0012114.

Submissions (6):

Labcorp Genetics (formerly Invitae), Labcorp
Classification: Pathogenic for Hereditary nonpolyposis colorectal neoplasms. Last evaluated: 2024-09-23. Review status: criteria provided, single submitter. Criteria: Invitae Variant Classification Sherloc (09022015). Collection method: clinical testing. Allele origin: germline.
Comment: This sequence change creates a premature translational stop signal (p.Ser950Profs*15) in the MSH6 gene. It is expected to result in an absent or disrupted protein product. Loss-of-function variants in MSH6 are known to be pathogenic (PMID: 18269114, 24362816). This variant is not present in population databases (gnomAD no frequency). This premature translational stop signal has been observed in individual(s) with colon cancer (PMID: 26845104). ClinVar contains an entry for this variant (Variation ID: 224535). For these reasons, this variant has been classified as Pathogenic.

Ambry Genetics
Classification: Pathogenic for Hereditary cancer-predisposing syndrome. Last evaluated: 2024-04-22. Review status: criteria provided, single submitter. Criteria: Ambry Variant Classification Scheme 2023. Collection method: clinical testing. Allele origin: germline.
Comment: The c.2848_2849delAG pathogenic mutation, located in coding exon 4 of the MSH6 gene, results from a deletion of two nucleotides at nucleotide positions 2848 to 2849, causing a translational frameshift with a predicted alternate stop codon (p.S950Pfs*15). This alteration is expected to result in loss of function by premature protein truncation or nonsense-mediated mRNA decay. As such, this alteration is interpreted as a disease-causing mutation.

Baylor Genetics
Classification: Pathogenic for Endometrial carcinoma. Last evaluated: 2024-03-17. Review status: criteria provided, single submitter. Criteria: ACMG Guidelines, 2015. Collection method: clinical testing. Allele origin: unknown.

Myriad Genetics, Inc.
Classification: Pathogenic for Lynch syndrome 5. Last evaluated: 2023-08-21. Review status: criteria provided, single submitter. Criteria: Myriad Autosomal Dominant, Autosomal Recessive and X-Linked Classification Criteria (2023). Collection method: clinical testing. Allele origin: unknown.
Comment: This variant is considered pathogenic. This variant creates a frameshift predicted to result in premature protein truncation.

GeneDx
Classification: Pathogenic. Last evaluated: 2019-11-04. Review status: criteria provided, single submitter. Criteria: GeneDx Variant Classification Process June 2021. Collection method: clinical testing. Allele origin: germline. Affected: yes.
Comment: Frameshift variant predicted to result in protein truncation or nonsense mediated decay in a gene for which loss-of-function is a known mechanism of disease; Not observed in large population cohorts (Lek 2016); Truncating variants in this gene are considered pathogenic by a well-established clinical consortium and/or database; This variant is associated with the following publications: (PMID: 26845104)

University of Washington Department of Laboratory Medicine, University of Washington
Classification: Pathogenic for Hereditary nonpolyposis colon cancer. Last evaluated: 2015-11-20. Review status: criteria provided, single submitter. Criteria: Shirts et al. (Genet Med 2016). Collection method: clinical testing. Allele origin: germline. Affected: yes. Observed: 1 variant allele.

Literature cited by the submitters: PubMed 18269114 (cited by Labcorp Genetics (formerly Invitae), Labcorp); PubMed 24362816 (cited by Labcorp Genetics (formerly Invitae), Labcorp); PubMed 26845104 (cited by Labcorp Genetics (formerly Invitae), Labcorp).

NM_000179.3(MSH6):c.2848_2849del (p.Ser950fs)

Gene: MSH6 (mutS homolog 6; plus strand). Cytogenetic location: 2p16.3.
Variant type: Microsatellite.
Coding change: c.2848_2849del on transcript NM_000179.3 (MANE Select); coding-DNA positions 2848 to 2849, 2 bases deleted (AG; older notation c.2848_2849delAG).
Protein change: p.Ser950fs; shifts the reading frame from serine 950.
Molecular consequence: frameshift variant.
Genome position (GRCh38, 1-based): chr2:47,800,831-47,800,832, AG deleted; deleting any 2 consecutive bases within chr2:47,800,829-47,800,832 gives the same sequence; the c. name uses the placement nearest the transcript's 3' end. VCF-style (leftmost placement, unchanged base first): chr2-47800828-CAG-C. GRCh37 (hg19) VCF-style: chr2-48027967-CAG-C.
Other names: c.2848_2849delAG (NM_000179.2); c.2458_2459del, p.Ser820fs (NM_001281492.2); c.1942_1943del, p.Ser648fs (NM_001281493.2, NM_001281494.2); short protein forms S950fs, S648fs, S820fs.
Identifiers: ClinVar variation 224535 (VCV000224535.21), dbSNP rs869312770, ClinGen allele CA357801.